The following is an entry in ClinVar:

NM_130837.3(OPA1):c.1608+1G>A

Gene: OPA1 (OPA1 mitochondrial dynamin like GTPase; plus strand). Cytogenetic location: 3q29.
Variant type: single nucleotide variant.
Coding change: c.1608+1G>A on transcript NM_130837.3 (MANE Select); the canonical splice donor site of the intron after coding-DNA position 1608, G replaced by A.
Molecular consequence: splice donor variant.
Genome position (GRCh38, 1-based): chr3:193,644,106, G>A. VCF-style: chr3-193644106-G-A. GRCh37 (hg19) VCF-style: chr3-193361895-G-A.
Other names: c.1071+1G>A (NM_001354664.2); c.1074+1G>A (NM_001354663.2); c.1497+1G>A (NM_130834.3); c.1554+1G>A (NM_130836.3); c.1443+1G>A (NM_015560.3); c.1500+1G>A (NM_130835.3); c.1389+1G>A (NM_130832.3); c.1446+1G>A (NM_130833.3); and 1 more.
Identifiers: ClinVar variation 2105072 (VCV002105072.4), dbSNP rs2474882131, ClinGen allele CA355789974.

ClinVar aggregate classification (germline): Pathogenic (1 of 4 stars; one submission).

Submission:

Labcorp Genetics (formerly Invitae), Labcorp
Classification: Pathogenic. Last evaluated: 2025-03-13. Review status: criteria provided, single submitter. Criteria: Invitae Variant Classification Sherloc (09022015). Collection method: clinical testing. Allele origin: germline.
Comment: This sequence change affects a donor splice site in intron 14 of the OPA1 gene. It is expected to disrupt RNA splicing. Variants that disrupt the donor or acceptor splice site typically lead to a loss of protein function (PMID: 16199547), and loss-of-function variants in OPA1 are known to be pathogenic (PMID: 11440988, 20157015, 20952381, 25012220). This variant is not present in population databases (gnomAD no frequency). Disruption of this splice site has been observed in individuals with OPA1-related conditions (PMID: 31500643; internal data). ClinVar contains an entry for this variant (Variation ID: 2105072). Algorithms developed to predict the effect of sequence changes on RNA splicing suggest that this variant may disrupt the consensus splice site. For these reasons, this variant has been classified as Pathogenic.

Literature cited by the submitters: PubMed 16199547; PubMed 11440988; PubMed 20157015; PubMed 20952381; PubMed 25012220; PubMed 31500643.